The following is an entry in ClinVar:

ClinVar aggregate classification (germline): Uncertain significance (1 of 4 stars; one submission).

Submission:

GeneDx
Classification: Uncertain significance. Last evaluated: 2026-02-12. Review status: criteria provided, single submitter. Criteria: GeneDx Variant Classification Process June 2021. Collection method: clinical testing. Allele origin: germline.
Comment: Not observed at significant frequency in large population cohorts (gnomAD); In silico analysis supports that this missense variant has a deleterious effect on protein structure/function; Has not been previously published as pathogenic or benign to our knowledge

NM_015178.3(RHOBTB2):c.1679C>T (p.Thr560Ile)

Gene: RHOBTB2 (Rho related BTB domain containing 2; plus strand). Cytogenetic location: 8p21.3.
Variant type: single nucleotide variant.
Coding change: c.1679C>T on transcript NM_015178.3 (MANE Select); coding-DNA position 1679, C replaced by T.
Protein change: p.Thr560Ile; replaces threonine 560 with isoleucine.
Molecular consequence: missense variant.
Genome position (GRCh38, 1-based): chr8:23,010,596, C>T. VCF-style: chr8-23010596-C-T. GRCh37 (hg19) VCF-style: chr8-22868109-C-T.
Other names: c.1745C>T, p.Thr582Ile (NM_001160036.2); c.1700C>T, p.Thr567Ile (NM_001160037.2); c.1679C>T, p.Thr560Ile (NM_001374791.1); short protein forms T560I, T567I, T582I.
Identifiers: ClinVar variation 4976264 (VCV004976264.1).